The following is an entry in ClinVar:

ClinVar aggregate classification (germline): Likely benign. Review status: criteria provided, multiple submitters, no conflicts (2 of 4 stars). 2 submissions from 2 submitters: Likely benign (2). Last evaluated 2025-12-25.

Conditions:
KANK2-related disorder. Also called: KANK2-related condition.

Allele frequency attached by ClinVar (database versions not stated): gnomAD 0.00003 and 0.00017; TOPMed 0.00007; ESP Exome Variant Server 0.00008; gnomAD exomes 0.00049 and 0.00094; 1000 Genomes Project 30x 0.00109; ExAC 0.00111; 1000 Genomes Project 0.00120.
gnomAD v4.1: 738 of 1,612,796 alleles (0.046%); highest among the groups gnomAD compares: South Asian, 0.77%; 19 homozygotes.

Submissions (2):

Labcorp Genetics (formerly Invitae), Labcorp
Classification: Likely benign. Last evaluated: 2025-12-25. Review status: criteria provided, single submitter. Criteria: Invitae Variant Classification Sherloc (09022015). Collection method: clinical testing. Allele origin: germline.

PreventionGenetics, part of Exact Sciences
Classification: Likely benign for KANK2-related condition. Last evaluated: 2025-10-20. Review status: criteria provided, single submitter. Criteria: ACMG Guidelines, 2015. Collection method: clinical testing. Allele origin: germline.
Comment: This variant is classified as likely benign based on ACMG/AMP sequence variant interpretation guidelines (Richards et al. 2015 PMID: 25741868, with internal and published modifications).

NM_001136191.3(KANK2):c.304T>C (p.Tyr102His)

Gene: KANK2 (KN motif and ankyrin repeat domains 2; minus strand). Cytogenetic location: 19p13.2.
Variant type: single nucleotide variant.
Coding change: c.304T>C on transcript NM_001136191.3 (MANE Select); coding-DNA position 304, T replaced by C.
Protein change: p.Tyr102His; replaces tyrosine 102 with histidine.
Molecular consequence: missense variant.
Genome position (GRCh38, 1-based): chr19:11,193,776, A>G on the plus strand (T>C on the coding strand, the complement: KANK2 is on the minus strand). VCF-style: chr19-11193776-A-G. GRCh37 (hg19) VCF-style: chr19-11304452-A-G.
Other names: c.304T>C, p.Tyr102His (NM_001329451.2, NM_001379548.1, NM_001379549.1 and 15 more transcripts); c.304T>C (NM_015493.6); short protein forms Y102H.
Identifiers: ClinVar variation 726429 (VCV000726429.10), dbSNP rs140879864, ClinGen allele CA9206109.